The following is an entry in ClinVar:

ClinVar aggregate classification (germline): Uncertain significance (1 of 4 stars; one submission).

Allele frequency attached by ClinVar (database versions not stated): gnomAD exomes below 0.00001; TOPMed below 0.00001; gnomAD 0.00001.
gnomAD v4.1: 2 of 1,558,026 alleles (0.00013%); highest among the groups gnomAD compares: Admixed American, 0.0022%; no homozygotes.

Submission:

GeneDx
Classification: Uncertain significance. Last evaluated: 2021-01-08. Review status: criteria provided, single submitter. Criteria: GeneDx Variant Classification Process June 2021. Collection method: clinical testing. Allele origin: germline. Affected: yes.
Comment: Not observed at a significant frequency in large population cohorts (Lek et al., 2016); In silico analysis supports that this missense variant does not alter protein structure/function; Has not been previously published as pathogenic or benign to our knowledge

NM_001004320.2(AGMO):c.529C>G (p.Leu177Val)

Gene: AGMO (alkylglycerol monooxygenase; minus strand). Cytogenetic location: 7p21.2.
Variant type: single nucleotide variant.
Coding change: c.529C>G on transcript NM_001004320.2 (MANE Select); coding-DNA position 529, C replaced by G.
Protein change: p.Leu177Val; replaces leucine 177 with valine.
Molecular consequence: missense variant.
Genome position (GRCh38, 1-based): chr7:15,418,638, G>C on the plus strand (C>G on the coding strand, the complement: AGMO is on the minus strand). VCF-style: chr7-15418638-G-C. GRCh37 (hg19) VCF-style: chr7-15458263-G-C.
Other names: short protein forms L177V.
Identifiers: ClinVar variation 1314029 (VCV001314029.2), dbSNP rs1177367994, ClinGen allele CA366874421.